The following is an entry in ClinVar:

ClinVar aggregate classification (germline): Likely benign (1 of 4 stars; one submission).

Submission:

CeGaT Center for Human Genetics Tuebingen
Classification: Likely benign. Last evaluated: 2025-07-01. Review status: criteria provided, single submitter. Criteria: CeGaT Center For Human Genetics Tuebingen Variant Classification Criteria Version 2. Collection method: clinical testing. Allele origin: germline. Affected: yes. Observed: 1 variant allele.
Comment: MUC6: BP4, BP7

NM_005961.3(MUC6):c.4497C>G (p.Ala1499=)

Gene: MUC6 (mucin 6, oligomeric mucus/gel-forming (gene/pseudogene); minus strand). Cytogenetic location: 11p15.5.
Variant type: single nucleotide variant.
Coding change: c.4497C>G on transcript NM_005961.3 (MANE Select); coding-DNA position 4497, C replaced by G.
Protein change: p.Ala1499=; no amino-acid change (alanine 1499 retained).
Molecular consequence: synonymous variant.
Genome position (GRCh38, 1-based): chr11:1,018,304, G>C on the plus strand (C>G on the coding strand, the complement: MUC6 is on the minus strand). VCF-style: chr11-1018304-G-C. GRCh37 (hg19) VCF-style: chr11-1018304-G-C.
Identifiers: ClinVar variation 4084407 (VCV004084407.8).